The following is an entry in ClinVar:

ClinVar aggregate classification (germline): Benign/Likely benign. Review status: criteria provided, multiple submitters, no conflicts (2 of 4 stars). 9 submissions from 9 submitters: Benign (1); Likely benign (6). 2 of the submissions do not count toward it. Last evaluated 2025-11-10.

Conditions:
Cataract 41 (CTRCT41). Also called: CATARACT 41, CONGENITAL NUCLEAR TYPE. Identifiers: Orphanet 91492, Orphanet 98991, Orphanet 98992, Orphanet 98995, MedGen C3805412, MONDO:0007287, OMIM 116400.
Type 2 diabetes mellitus. Also called: Type II diabetes mellitus. Identifiers: MedGen C0011860, MeSH D003924, MONDO:0005148, OMIM 125853, HP:0005978.
Wolfram syndrome 1 (WFS1). Identifiers: Orphanet 3463, MedGen C4551693, MONDO:0009101, OMIM 222300.
Wolfram-like syndrome. Also called: HEARING LOSS, PROGRESSIVE, WITH OPTIC ATROPHY AND/OR IMPAIRED GLUCOSE REGULATION. Identifiers: Orphanet 411590, MedGen C3280358, MONDO:0013673, OMIM 614296.
Autosomal dominant nonsyndromic hearing loss 6 (LFSNHL). Also called: DEAFNESS, AUTOSOMAL DOMINANT 6; DEAFNESS, AUTOSOMAL DOMINANT 14; DEAFNESS, AUTOSOMAL DOMINANT 38; Autosomal dominant nonsyndromic deafness 6. Identifiers: Orphanet 90635, MedGen C1833021, MONDO:0010963, OMIM 600965.

Allele frequency attached by ClinVar (database versions not stated): gnomAD exomes 0.00011 and 0.00021; ExAC 0.00018; TOPMed 0.00019; gnomAD 0.00020 and 0.00021; ESP Exome Variant Server 0.00046.
gnomAD v4.1: 198 of 1,613,576 alleles (0.012%); highest among the groups gnomAD compares: South Asian, 0.12%; 1 homozygote.

Submissions (9):

Labcorp Genetics (formerly Invitae), Labcorp
Classification: Likely benign. Last evaluated: 2025-11-10. Review status: criteria provided, single submitter. Criteria: Invitae Variant Classification Sherloc (09022015). Collection method: clinical testing. Allele origin: germline.

CeGaT Center for Human Genetics Tuebingen
Classification: Likely benign. Last evaluated: 2025-02-01. Review status: criteria provided, single submitter. Criteria: CeGaT Center For Human Genetics Tuebingen Variant Classification Criteria Version 2. Collection method: clinical testing. Allele origin: germline. Affected: yes. Observed: 1 variant allele.
Comment: WFS1: BP4, BP7

Blueprint Genetics
Classification: Likely benign. Last evaluated: 2024-03-01. Review status: criteria provided, single submitter. Criteria: ACMG Guidelines, 2015. Collection method: clinical testing. Allele origin: germline.

Fulgent Genetics
Classification: Likely benign for Cataract 41; Type 2 diabetes mellitus; Wolfram syndrome 1; Autosomal dominant nonsyndromic hearing loss 6; Wolfram-like syndrome. Last evaluated: 2021-12-23. Review status: criteria provided, single submitter. Criteria: ACMG Guidelines, 2015. Collection method: clinical testing. Allele origin: unknown.

GeneDx
Classification: Likely benign. Last evaluated: 2021-02-09. Review status: criteria provided, single submitter. Criteria: GeneDx Variant Classification Process June 2021. Collection method: clinical testing. Allele origin: germline. Affected: yes.

Laboratory for Molecular Medicine, Mass General Brigham Personalized Medicine
Classification: Likely benign. Last evaluated: 2012-04-30. Review status: criteria provided, single submitter. Criteria: LMM Criteria. Collection method: clinical testing. Allele origin: germline. Observed: 1 variant allele.
Comment: Tyr254Tyr in Exon 07 of WFS1: This variant is not expected to have clinical sign ificance because it does not alter an amino acid residue, is not located within the splice consensus sequence, and has been identified in 0.1% (5/3738) of Afric an American chromosomes from a broad population by the NHLBI Exome Sequencing Pr oject (dbSNP rs140266808).

Clinical Genomics, Uppaluri K&H Personalized Medicine Clinic
Classification: Benign for Wolfram syndrome 1. Review status: criteria provided, single submitter. Criteria: K & H Uppaluri Personalized Medicine Clinic Variant Classification & Assertion Criteria_Updated V.1. Collection method: research. Allele origin: unknown. Inheritance: Autosomal recessive inheritance.
Comment: Potent mutations in WFS1 gene are associated with Wolfram's syndrome, an autosomal recessive condition, which cause diabetes mellitus, diabetes insipidus, deafness and optic atrophy.However no sufficient evidence is found to ascertain the role of this particular variant rs140266808 in Wolfram's syndrome yet.

Clinical Genetics DNA and cytogenetics Diagnostics Lab, Erasmus MC, Erasmus Medical Center
Classification: Likely benign. Review status: no assertion criteria provided. Collection method: clinical testing. Allele origin: germline. Affected: yes. Study: VKGL Data-share Consensus. Not counted in ClinVar's aggregate classification.

Laboratory of Diagnostic Genome Analysis, Leiden University Medical Center (LUMC)
Classification: Likely benign. Review status: no assertion criteria provided. Collection method: clinical testing. Allele origin: germline. Affected: yes. Study: VKGL Data-share Consensus. Not counted in ClinVar's aggregate classification.

Literature cited by the submitters: PubMed 20738327 (cited by Clinical Genomics, Uppaluri K&H Personalized Medicine Clinic); PubMed 33879153 (cited by Clinical Genomics, Uppaluri K&H Personalized Medicine Clinic); PubMed 12955714 (cited by Clinical Genomics, Uppaluri K&H Personalized Medicine Clinic); PubMed 18060660 (cited by Clinical Genomics, Uppaluri K&H Personalized Medicine Clinic); PubMed 20301750 (cited by Clinical Genomics, Uppaluri K&H Personalized Medicine Clinic); PubMed 17603484 (cited by Clinical Genomics, Uppaluri K&H Personalized Medicine Clinic).

NM_006005.3(WFS1):c.762C>T (p.Tyr254=)

Gene: WFS1 (wolframin ER transmembrane glycoprotein; plus strand). Cytogenetic location: 4p16.1.
Variant type: single nucleotide variant.
Coding change: c.762C>T on transcript NM_006005.3 (MANE Select); coding-DNA position 762, C replaced by T.
Protein change: p.Tyr254=; no amino-acid change (tyrosine 254 retained).
Molecular consequence: synonymous variant.
Genome position (GRCh38, 1-based): chr4:6,295,090, C>T. VCF-style: chr4-6295090-C-T. GRCh37 (hg19) VCF-style: chr4-6296817-C-T.
Other names: c.762C>T, p.Tyr254= (NM_001145853.1).
Identifiers: ClinVar variation 178586 (VCV000178586.44), dbSNP rs140266808, ClinGen allele CA182612.